The following is an entry in ClinVar:

ClinVar aggregate classification (germline): Conflicting classifications of pathogenicity. Review status: criteria provided, conflicting classifications (1 of 4 stars). 6 submissions from 6 submitters: Likely pathogenic (2); Uncertain significance (2). 2 of the submissions do not count toward it. Last evaluated 2026-09-05.

Conditions:
Jeune thoracic dystrophy. Also called: Short-rib thoracic dysplasia; Jeune syndrome; Infantile thoracic dystrophy; Thoracic pelvic phalangeal dystrophy; Jeune's syndrome; Chondroectodermal dysplasia-like syndrome. Identifiers: Orphanet 474, MedGen C0265275, MONDO:0018770.
Fetal anomalies with a likely genetic cause.
Short-rib thoracic dysplasia 8 with or without polydactyly (SRTD8). Also called: SHORT-RIB THORACIC DYSPLASIA 8 WITH POLYDACTYLY. Identifiers: Orphanet 93271, MedGen C3809691, MONDO:0014214, OMIM 615503.

Allele frequency attached by ClinVar (database versions not stated): gnomAD 0.00005; TOPMed 0.00005; gnomAD exomes 0.00007 and 0.00002; ExAC 0.00002.
gnomAD v4.1: 111 of 1,610,582 alleles (0.0069%); highest among the groups gnomAD compares: Middle Eastern, 0.016%; no homozygotes.

Submissions (6):

Genetics Laboratory, Great Ormond Street Hospital NHS Foundation Trust, North Thames Genomic Laboratory Hub
Classification: Likely pathogenic for Fetal anomalies with a likely genetic cause. Last evaluated: 2026-09-05. Review status: criteria provided, single submitter. Criteria: ACGS Best Practice Guidelines for Variant Classification in Rare Disease 2024 v1.2. Collection method: clinical testing. Allele origin: germline. Affected: yes.
Comment: PM2_moderate, PM3_strong, PP4_supporting

Blueprint Genetics
Classification: Uncertain significance. Last evaluated: 2020-08-14. Review status: criteria provided, single submitter. Criteria: ACMG Guidelines, 2015. Collection method: clinical testing. Allele origin: germline.

CeGaT Center for Human Genetics Tuebingen
Classification: Uncertain significance. Last evaluated: 2020-02-01. Review status: criteria provided, single submitter. Criteria: CeGaT Center For Human Genetics Tuebingen Variant Classification Criteria Version 2. Collection method: clinical testing. Allele origin: germline. Affected: yes. Observed: 2 variant alleles.

Juno Genomics, Hangzhou Juno Genomics, Inc
Classification: Likely pathogenic for Short-rib thoracic dysplasia 8 with or without polydactyly. Review status: criteria provided, single submitter. Criteria: ACMG Guidelines, 2015. Collection method: clinical testing. Allele origin: germline. Affected: yes.
Comment: Absent from controls (or at extremely low frequency if recessive) in Genome Aggregation Database, Exome Sequencing Project, 1000 Genomes Project, or Exome Aggregation Consortium.;Null variant in a gene where loss of function (LOF) is a known mechanism of disease.

Dan Cohn Lab, University Of California Los Angeles
Classification: Pathogenic for Asphyxiating thoracic dystrophy. Last evaluated: 2017-06-01. Review status: no assertion criteria provided. Collection method: research. Allele origin: inherited. Affected: yes. Not counted in ClinVar's aggregate classification.

University of Washington Center for Mendelian Genomics, University of Washington
Classification: Likely pathogenic for asphyxiating thoracic dystrophy. Review status: no assertion criteria provided. Collection method: research. Allele origin: inherited. Affected: yes. Not counted in ClinVar's aggregate classification.

Literature cited by the submitters: PubMed 29068549 (cited by Dan Cohn Lab, University Of California Los Angeles and University of Washington Center for Mendelian Genomics, University of Washington).

NM_018051.5(DYNC2I1):c.1777C>T (p.Arg593Trp)

Gene: DYNC2I1 (dynein 2 intermediate chain 1; plus strand). Cytogenetic location: 7q36.3.
Variant type: single nucleotide variant.
Coding change: c.1777C>T on transcript NM_018051.5 (MANE Select); coding-DNA position 1777, C replaced by T.
Protein change: p.Arg593Trp; replaces arginine 593 with tryptophan.
Molecular consequence: missense variant.
Genome position (GRCh38, 1-based): chr7:158,914,307, C>T. VCF-style: chr7-158914307-C-T. GRCh37 (hg19) VCF-style: chr7-158706998-C-T.
Other names: c.1639C>T, p.Arg547Trp (NM_001350914.2); c.1204C>T, p.Arg402Trp (NM_001350915.2); c.316C>T, p.Arg106Trp (NM_001350916.2); c.529C>T, p.Arg177Trp (NM_001350917.2, NM_001350918.2); short protein forms R593W, R547W, R106W, R177W, R402W.
Identifiers: ClinVar variation 374626 (VCV000374626.47), dbSNP rs776300442, ClinGen allele CA4594752.